The following is an entry in ClinVar:

ClinVar aggregate classification (germline): Likely benign. Review status: criteria provided, multiple submitters, no conflicts (2 of 4 stars). 2 submissions from 2 submitters: Likely benign (2). Last evaluated 2025-07-27.

Conditions:
Dilated cardiomyopathy 1G (CMD1G). Identifiers: Orphanet 154, MedGen C1858763, MONDO:0011400, OMIM 604145.
Autosomal recessive limb-girdle muscular dystrophy type 2J (LGMDR10). Also called: MUSCULAR DYSTROPHY, LIMB-GIRDLE, AUTOSOMAL RECESSIVE 10; Limb-girdle muscular dystrophy, type 2J. Identifiers: Orphanet 140922, MedGen C1837342, MONDO:0012127, OMIM 608807.

Allele frequency attached by ClinVar (database versions not stated): gnomAD exomes 0.00001.
gnomAD v4.1: 13 of 1,613,084 alleles (0.00081%); highest among the groups gnomAD compares: Non-Finnish European, 0.0011%; no homozygotes.

Submissions (2):

Labcorp Genetics (formerly Invitae), Labcorp
Classification: Likely benign for Dilated cardiomyopathy 1G; Autosomal recessive limb-girdle muscular dystrophy type 2J. Last evaluated: 2025-07-27. Review status: criteria provided, single submitter. Criteria: Invitae Variant Classification Sherloc (09022015). Collection method: clinical testing. Allele origin: germline.

CeGaT Center for Human Genetics Tuebingen
Classification: Likely benign. Last evaluated: 2024-05-01. Review status: criteria provided, single submitter. Criteria: CeGaT Center For Human Genetics Tuebingen Variant Classification Criteria Version 2. Collection method: clinical testing. Allele origin: germline. Affected: yes. Observed: 1 variant allele.
Comment: TTN: PM2:Supporting, BP4, BP7

NM_001267550.2(TTN):c.64179T>C (p.Asp21393=)

Genes: TTN (titin; minus strand), TTN-AS1 (TTN antisense RNA 1; plus strand). Cytogenetic location: 2q31.2.
Variant type: single nucleotide variant.
Coding change: c.64179T>C on transcript NM_001267550.2 (MANE Select); coding-DNA position 64179, T replaced by C.
Protein change: p.Asp21393=; no amino-acid change (aspartic acid 21393 retained).
Molecular consequence: synonymous variant.
Genome position (GRCh38, 1-based): chr2:178,586,722, A>G on the plus strand (T>C on the coding strand, the complement: TTN is on the minus strand). VCF-style: chr2-178586722-A-G. GRCh37 (hg19) VCF-style: chr2-179451449-A-G.
Other names: c.59256T>C, p.Asp19752= (NM_001256850.1); c.36984T>C, p.Asp12328= (NM_003319.4); c.56475T>C, p.Asp18825= (NM_133378.4); c.37359T>C, p.Asp12453= (NM_133432.3); c.37560T>C, p.Asp12520= (NM_133437.4).
Identifiers: ClinVar variation 762089 (VCV000762089.28), dbSNP rs1576016824, ClinGen allele CA430264384.